The following is an entry in ClinVar:

NM_004168.4(SDHA):c.1033C>G (p.Arg345Gly)

Gene: SDHA (succinate dehydrogenase complex flavoprotein subunit A; plus strand). Cytogenetic location: 5p15.33.
Variant type: single nucleotide variant.
Coding change: c.1033C>G on transcript NM_004168.4 (MANE Select); coding-DNA position 1033, C replaced by G.
Protein change: p.Arg345Gly; replaces arginine 345 with glycine.
Molecular consequence: missense variant.
Genome position (GRCh38, 1-based): chr5:233,614, C>G. VCF-style: chr5-233614-C-G. GRCh37 (hg19) VCF-style: chr5-233729-C-G.
Other names: c.1033C>G (NM_004168.2); c.889C>G, p.Arg297Gly (NM_001294332.2); c.1033C>G, p.Arg345Gly (NM_001330758.2); short protein forms R297G, R345G.
Identifiers: ClinVar variation 2944031 (VCV002944031.5), dbSNP rs760598746, ClinGen allele CA359012926.

ClinVar aggregate classification (germline): Uncertain significance. Review status: criteria provided, multiple submitters, no conflicts (2 of 4 stars). 2 submissions from 2 submitters: Uncertain significance (2). Last evaluated 2026-02-05.

Conditions:
Mitochondrial complex II deficiency, nuclear type 1. Also called: SUCCINATE CoQ REDUCTASE DEFICIENCY. Identifiers: Orphanet 3208, MedGen C5700310, MONDO:0100294, OMIM 252011.
Pheochromocytoma/paraganglioma syndrome 5. Also called: Paragangliomas 5; SDHA-Related Hereditary Paraganglioma-Pheochromocytoma Syndrome. Identifiers: Orphanet 29072, MedGen C3279992, MONDO:0013602, OMIM 614165.
Hereditary cancer-predisposing syndrome. Also called: Neoplastic Syndromes, Hereditary; Tumor predisposition; Hereditary Cancer Syndrome; Hereditary neoplastic syndrome. Identifiers: Orphanet 140162, MedGen C0027672, MeSH D009386, MONDO:0015356.

Submissions (2):

Ambry Genetics
Classification: Uncertain significance for Hereditary cancer-predisposing syndrome. Last evaluated: 2026-02-05. Review status: criteria provided, single submitter. Criteria: Ambry Variant Classification Scheme 2023. Collection method: clinical testing. Allele origin: germline.
Comment: The p.R345G variant (also known as c.1033C>G), located in coding exon 8 of the SDHA gene, results from a C to G substitution at nucleotide position 1033. The arginine at codon 345 is replaced by glycine, an amino acid with dissimilar properties. This amino acid position is highly conserved in available vertebrate species. In addition, this alteration is predicted to be deleterious by in silico analysis. Based on the available evidence, the clinical significance of this variant remains unclear.

Labcorp Genetics (formerly Invitae), Labcorp
Classification: Uncertain significance for Pheochromocytoma/paraganglioma syndrome 5; Mitochondrial complex II deficiency, nuclear type 1. Last evaluated: 2025-10-13. Review status: criteria provided, single submitter. Criteria: Invitae Variant Classification Sherloc (09022015). Collection method: clinical testing. Allele origin: germline.
Comment: This sequence change replaces arginine, which is basic and polar, with glycine, which is neutral and non-polar, at codon 345 of the SDHA protein (p.Arg345Gly). This variant is not present in population databases (gnomAD no frequency). This variant has not been reported in the literature in individuals affected with SDHA-related conditions. ClinVar contains an entry for this variant (Variation ID: 2944031). Invitae Evidence Modeling of protein sequence and biophysical properties (such as structural, functional, and spatial information, amino acid conservation, physicochemical variation, residue mobility, and thermodynamic stability) has been performed for this missense variant. However, the output from this modeling did not meet the statistical confidence thresholds required to predict the impact of this variant on SDHA protein function. In summary, the available evidence is currently insufficient to determine the role of this variant in disease. Therefore, it has been classified as a Variant of Uncertain Significance.